The following is an entry in ClinVar:

ClinVar aggregate classification (germline): Uncertain significance (1 of 4 stars; one submission).

Conditions:
Renal cell carcinoma. Identifiers: Orphanet 217071, MedGen C0007134, MeSH D002292, MONDO:0005086, HP:0005584.

Allele frequency attached by ClinVar (database versions not stated): TOPMed below 0.00001; ExAC 0.00001.
gnomAD v4.1: 1 of 1,614,190 alleles (0.000062%); highest among the groups gnomAD compares: Non-Finnish European, 0.000085%; no homozygotes.

Submission:

Labcorp Genetics (formerly Invitae), Labcorp
Classification: Uncertain significance for Renal cell carcinoma. Last evaluated: 2022-06-20. Review status: criteria provided, single submitter. Criteria: Invitae Variant Classification Sherloc (09022015). Collection method: clinical testing. Allele origin: germline.
Comment: This sequence change replaces aspartic acid, which is acidic and polar, with glutamic acid, which is acidic and polar, at codon 1328 of the MET protein (p.Asp1328Glu). This variant is present in population databases (rs773763852, gnomAD 0.0009%). This variant has not been reported in the literature in individuals affected with MET-related conditions. ClinVar contains an entry for this variant (Variation ID: 1044383). Algorithms developed to predict the effect of missense changes on protein structure and function (SIFT, PolyPhen-2, Align-GVGD) all suggest that this variant is likely to be disruptive. In summary, the available evidence is currently insufficient to determine the role of this variant in disease. Therefore, it has been classified as a Variant of Uncertain Significance.

NM_000245.4(MET):c.3930C>A (p.Asp1310Glu)

Gene: MET (MET proto-oncogene, receptor tyrosine kinase; plus strand). Cytogenetic location: 7q31.2.
Variant type: single nucleotide variant.
Coding change: c.3930C>A on transcript NM_000245.4 (MANE Select); coding-DNA position 3930, C replaced by A.
Protein change: p.Asp1310Glu; replaces aspartic acid 1310 with glutamic acid.
Molecular consequence: missense variant.
Genome position (GRCh38, 1-based): chr7:116,795,786, C>A. VCF-style: chr7-116795786-C-A. GRCh37 (hg19) VCF-style: chr7-116435840-C-A.
Other names: c.3984C>A, p.Asp1328Glu (NM_001127500.3); c.2640C>A, p.Asp880Glu (NM_001324402.2); short protein forms D1310E, D880E, D1328E.
Identifiers: ClinVar variation 1044383 (VCV001044383.8), dbSNP rs773763852, ClinGen allele CA4448797.